The following is an entry in ClinVar:

NM_003742.4(ABCB11):c.3347G>A (p.Gly1116Glu)

Gene: ABCB11 (ATP binding cassette subfamily B member 11; minus strand). Cytogenetic location: 2q31.1.
Variant type: single nucleotide variant.
Coding change: c.3347G>A on transcript NM_003742.4 (MANE Select); coding-DNA position 3347, G replaced by A.
Protein change: p.Gly1116Glu; replaces glycine 1116 with glutamic acid.
Molecular consequence: missense variant.
Genome position (GRCh38, 1-based): chr2:168,930,729, C>T on the plus strand (G>A on the coding strand, the complement: ABCB11 is on the minus strand). VCF-style: chr2-168930729-C-T. GRCh37 (hg19) VCF-style: chr2-169787239-C-T.
Other names: NM_003742.4:c.3347G>A; short protein forms G1116E.
Identifiers: ClinVar variation 3776836 (VCV003776836.2).
Genomic context (GRCh38, chr2:168,930,729, plus strand): 5'-TTCCCTTGATCAGGATCATAGAAACGTTCCAACAGCTGAATGCTAGTGCTTTTGCCACAT[C>T]CACTGCTCCCAACAAACGCCAGTGTCTGCCCTGGACTAATCGACACTGAGAGACCATTCA-3'
Protein context (NP_003733.2, residues 1106-1126): GQTLAFVGSS[Gly1116Glu]CGKSTSIQLL

ClinVar aggregate classification (germline): Uncertain significance. Review status: criteria provided, multiple submitters, no conflicts (2 of 4 stars). 2 submissions from 2 submitters: Uncertain significance (2). Last evaluated 2026-04-14.

Conditions:
Familial intrahepatic cholestasis. Identifiers: Orphanet 284385, MedGen CN296401, MONDO:0017290.
Progressive familial intrahepatic cholestasis type 2. Identifiers: Orphanet 79304, MedGen C3489789, MONDO:0011156, OMIM 601847.

gnomAD v4.1: 5 of 1,607,192 alleles (0.00031%); highest among the groups gnomAD compares: Non-Finnish European, 0.00043%; no homozygotes.

Submissions (2):

Genomenon, Inc
Classification: Uncertain significance for Familial intrahepatic cholestasis. Last evaluated: 2026-04-14. Review status: criteria provided, single submitter. Criteria: Genomenon Sequence Variant Interpretation Standards - Updated. Collection method: curation. Allele origin: germline. Affected: yes.
Comment: ABCB11 p.Gly1116Glu (c.3347G>A) is a missense variant that changes the amino acid at residue 1116 from Glycine to Glutamic acid. This variant has been observed in at least one proband with an ABCB11-related disorder (PMID:21490445). It is absent or not present at a significant frequency in gnomAD. In silico models predict that this variant is possibly or probably damaging. In conclusion, we classify ABCB11 p.Gly1116Glu (c.3347G>A) as a variant of uncertain significance.

Broad Center for Mendelian Genomics, Broad Institute of MIT and Harvard
Classification: Uncertain significance for Progressive familial intrahepatic cholestasis type 2. Last evaluated: 2025-01-23. Review status: criteria provided, single submitter. Criteria: ACMG Guidelines, 2015. Collection method: curation. Allele origin: germline. Inheritance: Autosomal recessive inheritance.
Comment: The p.Gly1116Glu variant in ABCB11 has been reported in 1 individual with BSEP deficiency (PMID: 21490445), and has been identified in 0.0004% (5/1175226) of European (non-Finnish) chromosomes by the Genome Aggregation Database (gnomAD). Although this variant has been seen in the general population in a heterozygous state, its frequency is low enough to be consistent with a recessive carrier frequency. Computational prediction tools and conservation analyses suggest that this variant may impact the protein, though this information is not predictive enough to determine pathogenicity. In summary, the clinical significance of the p.Gly1116Glu variant is uncertain. ACMG/AMP Criteria applied: PP3_moderate, PM2_supporting (Richards 2015).

Literature cited by the submitters: PubMed 21490445 (cited by Genomenon, Inc).